The following is an entry in ClinVar:

NM_001042472.3(ABHD12):c.203T>C (p.Val68Ala)

Gene: ABHD12 (abhydrolase domain containing 12, lysophospholipase; minus strand). Cytogenetic location: 20p11.21.
Variant type: single nucleotide variant.
Coding change: c.203T>C on transcript NM_001042472.3 (MANE Select); coding-DNA position 203, T replaced by C.
Protein change: p.Val68Ala; replaces valine 68 with alanine.
Molecular consequence: missense variant.
Genome position (GRCh38, 1-based): chr20:25,339,340, A>G on the plus strand (T>C on the coding strand, the complement: ABHD12 is on the minus strand). VCF-style: chr20-25339340-A-G. GRCh37 (hg19) VCF-style: chr20-25319976-A-G.
Other names: p.Val68Ala; c.203T>C, p.Val68Ala (NM_015600.5); short protein forms V68A.
Identifiers: ClinVar variation 337997 (VCV000337997.55), dbSNP rs140967031, ClinGen allele CA9796219.

ClinVar aggregate classification (germline): Conflicting classifications of pathogenicity. Review status: criteria provided, conflicting classifications (1 of 4 stars). 8 submissions from 8 submitters: Uncertain significance (6); Likely benign (1). 1 of the submissions does not count toward it. Last evaluated 2025-09-22.

Conditions:
ABHD12-related disorder. Also called: ABHD12-related condition.
Retinal dystrophy. Also called: Inherited retinal dystrophy. Identifiers: Orphanet 71862, MedGen C0854723, MeSH D058499, MONDO:0019118, HP:0000556.
PHARC syndrome. Also called: Polyneuropathy-hearing loss-ataxia-retinitis pigmentosa-cataract syndrome. Identifiers: Orphanet 171848, MedGen C2675204, MONDO:0012984, OMIM 612674.

Allele frequency attached by ClinVar (database versions not stated): 1000 Genomes Project 30x 0.00016; ExAC 0.00016; 1000 Genomes Project 0.00020; gnomAD exomes 0.00023 and 0.00043; TOPMed 0.00037; gnomAD 0.00040 and 0.00042; ESP Exome Variant Server 0.00046.

Submissions (8):

PreventionGenetics, part of Exact Sciences
Classification: Uncertain significance for ABHD12-related condition. Last evaluated: 2025-09-22. Review status: criteria provided, single submitter. Criteria: ACMG Guidelines, 2015. Collection method: clinical testing. Allele origin: germline.
Comment: The ABHD12 c.203T>C variant is predicted to result in the amino acid substitution p.Val68Ala. To our knowledge, this variant has not been reported in the literature. This variant is reported in 0.050% of alleles in individuals of European (Non-Finnish) descent in gnomAD, which may be too frequent to be a primary cause of disease. Although we suspect that this variant may be benign, at this time, the clinical significance of this variant is uncertain due to the absence of conclusive functional and genetic evidence.

Blueprint Genetics
Classification: Likely benign. Last evaluated: 2024-11-06. Review status: criteria provided, single submitter. Criteria: ACMG Guidelines, 2015. Collection method: clinical testing. Allele origin: germline.

CeGaT Center for Human Genetics Tuebingen
Classification: Uncertain significance. Last evaluated: 2024-07-01. Review status: criteria provided, single submitter. Criteria: CeGaT Center For Human Genetics Tuebingen Variant Classification Criteria Version 2. Collection method: clinical testing. Allele origin: germline. Affected: yes. Observed: 4 variant alleles.
Comment: ABHD12: PM2

GeneDx
Classification: Uncertain significance. Last evaluated: 2024-01-26. Review status: criteria provided, single submitter. Criteria: GeneDx Variant Classification Process June 2021. Collection method: clinical testing. Allele origin: germline. Affected: yes.
Comment: In silico analysis supports that this missense variant does not alter protein structure/function; Has not been previously published as pathogenic or benign to our knowledge

Labcorp Genetics (formerly Invitae), Labcorp
Classification: Uncertain significance. Last evaluated: 2022-10-17. Review status: criteria provided, single submitter. Criteria: Invitae Variant Classification Sherloc (09022015). Collection method: clinical testing. Allele origin: germline.
Comment: This sequence change replaces valine, which is neutral and non-polar, with alanine, which is neutral and non-polar, at codon 68 of the ABHD12 protein (p.Val68Ala). This variant is present in population databases (rs140967031, gnomAD 0.05%). This variant has not been reported in the literature in individuals affected with ABHD12-related conditions. ClinVar contains an entry for this variant (Variation ID: 337997). Algorithms developed to predict the effect of missense changes on protein structure and function are either unavailable or do not agree on the potential impact of this missense change (SIFT: "Deleterious"; PolyPhen-2: "Benign"; Align-GVGD: "Class C0"). In summary, the available evidence is currently insufficient to determine the role of this variant in disease. Therefore, it has been classified as a Variant of Uncertain Significance.

Mayo Clinic Laboratories, Mayo Clinic
Classification: Uncertain significance. Last evaluated: 2022-09-13. Review status: criteria provided, single submitter. Criteria: ACMG Guidelines, 2015. Collection method: clinical testing. Allele origin: germline. Observed: 1 variant allele.
Comment: BP4, PM2_supporting

Illumina Laboratory Services, Illumina
Classification: Uncertain significance for PHARC syndrome. Last evaluated: 2018-01-13. Review status: criteria provided, single submitter. Criteria: ICSL Variant Classification Criteria 13 December 2019. Collection method: clinical testing. Allele origin: germline.

Institute of Human Genetics, Univ. Regensburg, Univ. Regensburg
Classification: Uncertain significance for Retinal dystrophy. Last evaluated: 2022-01-01. Review status: no assertion criteria provided. Criteria: ACMG Guidelines, 2015. Collection method: clinical testing. Allele origin: germline. Affected: yes. Not counted in ClinVar's aggregate classification.